The following is an entry in ClinVar:

NM_206933.4(USH2A):c.10756A>T (p.Thr3586Ser)

Gene: USH2A (usherin; minus strand). Cytogenetic location: 1q41.
Variant type: single nucleotide variant.
Coding change: c.10756A>T on transcript NM_206933.4 (MANE Select); coding-DNA position 10756, A replaced by T.
Protein change: p.Thr3586Ser; replaces threonine 3586 with serine.
Molecular consequence: missense variant.
Genome position (GRCh38, 1-based): chr1:215,780,026, T>A on the plus strand (A>T on the coding strand, the complement: USH2A is on the minus strand). VCF-style: chr1-215780026-T-A. GRCh37 (hg19) VCF-style: chr1-215953368-T-A.
Other names: short protein forms T3586S.
Identifiers: ClinVar variation 1403889 (VCV001403889.6), dbSNP rs774505414, ClinGen allele CA1393927.

ClinVar aggregate classification (germline): Uncertain significance (1 of 4 stars; one submission).

Submission:

Labcorp Genetics (formerly Invitae), Labcorp
Classification: Uncertain significance. Last evaluated: 2022-07-11. Review status: criteria provided, single submitter. Criteria: Invitae Variant Classification Sherloc (09022015). Collection method: clinical testing. Allele origin: germline.
Comment: This sequence change replaces threonine, which is neutral and polar, with serine, which is neutral and polar, at codon 3586 of the USH2A protein (p.Thr3586Ser). This variant is not present in population databases (gnomAD no frequency). This variant has not been reported in the literature in individuals affected with USH2A-related conditions. ClinVar contains an entry for this variant (Variation ID: 1403889). Algorithms developed to predict the effect of missense changes on protein structure and function output the following: SIFT: "Tolerated"; PolyPhen-2: "Benign"; Align-GVGD: "Class C0". The serine amino acid residue is found in multiple mammalian species, which suggests that this missense change does not adversely affect protein function. In summary, the available evidence is currently insufficient to determine the role of this variant in disease. Therefore, it has been classified as a Variant of Uncertain Significance.